The following is an entry in ClinVar:

NM_152713.5(STT3A):c.1464T>C (p.Ile488=)

Gene: STT3A (STT3 oligosaccharyltransferase complex catalytic subunit A; plus strand). Cytogenetic location: 11q24.2.
Variant type: single nucleotide variant.
Coding change: c.1464T>C on transcript NM_152713.5 (MANE Select); coding-DNA position 1464, T replaced by C.
Protein change: p.Ile488=; no amino-acid change (isoleucine 488 retained).
Molecular consequence: synonymous variant.
Genome position (GRCh38, 1-based): chr11:125,613,087, T>C. VCF-style: chr11-125613087-T-C. GRCh37 (hg19) VCF-style: chr11-125482982-T-C.
Other names: c.1464T>C, p.Ile488= (NM_001278503.2); c.1188T>C, p.Ile396= (NM_001278504.2).
Identifiers: ClinVar variation 380575 (VCV000380575.11), dbSNP rs34079079, ClinGen allele CA6349076.
Genomic context (GRCh38, chr11:125,613,087, plus strand): 5'-CATCACCTACACCTTTCATTCAACCTGGGTGACCAGTGAGGCCTACTCTTCTCCGTCCAT[T>C]GTACTATCTGCCCGTGGTGGGGATGGCAGTAGGATCATATTTGATGACTTCCGAGAAGCA-3'
Protein context (NP_689926.1, residues 478-498): VTSEAYSSPS[Ile488=]VLSARGGDGS

ClinVar aggregate classification (germline): Benign. Review status: criteria provided, multiple submitters, no conflicts (2 of 4 stars). 3 submissions from 3 submitters: Benign (3). Last evaluated 2026-01-27.

Allele frequency attached by ClinVar (database versions not stated): 1000 Genomes Project 0.01158; 1000 Genomes Project 30x 0.01187; gnomAD exomes 0.01793 and 0.02542; gnomAD 0.01825 and 0.01910; ExAC 0.01871; TOPMed 0.02051; ESP Exome Variant Server 0.02077.
gnomAD v4.1: 39,765 of 1,614,164 alleles (2.5%); highest among the groups gnomAD compares: Non-Finnish European, 3%; 604 homozygotes.

Submissions (3):

Labcorp Genetics (formerly Invitae), Labcorp
Classification: Benign. Last evaluated: 2026-01-27. Review status: criteria provided, single submitter. Criteria: Invitae Variant Classification Sherloc (09022015). Collection method: clinical testing. Allele origin: germline.

GeneDx
Classification: Benign. Last evaluated: 2016-02-01. Review status: criteria provided, single submitter. Criteria: GeneDx Variant Classification (06012015). Collection method: clinical testing. Allele origin: germline. Affected: yes.
Comment: This variant is considered likely benign or benign based on one or more of the following criteria: it is a conservative change, it occurs at a poorly conserved position in the protein, it is predicted to be benign by multiple in silico algorithms, and/or has population frequency not consistent with disease.

Breakthrough Genomics
Classification: Benign. Review status: criteria provided, single submitter. Criteria: ACMG Guidelines, 2015. Collection method: not provided. Allele origin: germline. Inheritance: Autosomal recessive inheritance. Affected: yes.